The following is an entry in ClinVar:

ClinVar aggregate classification (germline): Uncertain significance. Review status: criteria provided, multiple submitters, no conflicts (2 of 4 stars). 2 submissions from 2 submitters: Uncertain significance (2). Last evaluated 2025-04-10.

Conditions:
Myopathy, centronuclear, 5 (CNM5). Identifiers: Orphanet 169186, MedGen C4014814, MONDO:0014418, OMIM 615959.
Inborn genetic diseases. Identifiers: MedGen C0950123, MeSH D030342.

Allele frequency attached by ClinVar (database versions not stated): ExAC 0.00001; gnomAD 0.00003; TOPMed 0.00005; gnomAD exomes 0.00006.
gnomAD v4.1: 91 of 1,609,598 alleles (0.0057%); highest among the groups gnomAD compares: Middle Eastern, 0.016%; no homozygotes.

Submissions (2):

Ambry Genetics
Classification: Uncertain significance for Inborn genetic diseases. Last evaluated: 2025-04-10. Review status: criteria provided, single submitter. Criteria: Ambry Variant Classification Scheme 2023. Collection method: clinical testing. Allele origin: germline.

Labcorp Genetics (formerly Invitae), Labcorp
Classification: Uncertain significance. Last evaluated: 2025-01-16. Review status: criteria provided, single submitter. Criteria: Invitae Variant Classification Sherloc (09022015). Collection method: clinical testing. Allele origin: germline.
Comment: This sequence change replaces proline, which is neutral and non-polar, with leucine, which is neutral and non-polar, at codon 332 of the SPEG protein (p.Pro332Leu). This variant is present in population databases (rs746036071, gnomAD 0.003%). This variant has not been reported in the literature in individuals affected with SPEG-related conditions. ClinVar contains an entry for this variant (Variation ID: 1984160). Invitae Evidence Modeling of protein sequence and biophysical properties (such as structural, functional, and spatial information, amino acid conservation, physicochemical variation, residue mobility, and thermodynamic stability) indicates that this missense variant is expected to disrupt SPEG protein function with a positive predictive value of 95%. In summary, the available evidence is currently insufficient to determine the role of this variant in disease. Therefore, it has been classified as a Variant of Uncertain Significance.

NM_005876.5(SPEG):c.995C>T (p.Pro332Leu)

Gene: SPEG (striated muscle enriched protein kinase; plus strand). Cytogenetic location: 2q35.
Variant type: single nucleotide variant.
Coding change: c.995C>T on transcript NM_005876.5 (MANE Select); coding-DNA position 995, C replaced by T.
Protein change: p.Pro332Leu; replaces proline 332 with leucine.
Molecular consequence: missense variant.
Genome position (GRCh38, 1-based): chr2:219,448,153, C>T. VCF-style: chr2-219448153-C-T. GRCh37 (hg19) VCF-style: chr2-220312875-C-T.
Other names: c.995C>T (NM_005876.4); short protein forms P332L.
Identifiers: ClinVar variation 1984160 (VCV001984160.5), dbSNP rs746036071, ClinGen allele CA2125645.